The following is an entry in ClinVar:

ClinVar aggregate classification (germline): Likely benign. Review status: criteria provided, multiple submitters, no conflicts (2 of 4 stars). 2 submissions from 2 submitters: Likely benign (2). Last evaluated 2026-01-11.

Conditions:
Glycogen storage disease, type V (GSD5). Also called: McArdle type glycogen storage disease; PYGM DEFICIENCY; MCARDLE DISEASE; MUSCLE GLYCOGEN PHOSPHORYLASE DEFICIENCY; MYOPHOSPHORYLASE DEFICIENCY. Identifiers: Orphanet 368, MedGen C0017924, MONDO:0009293, OMIM 232600.

Allele frequency attached by ClinVar (database versions not stated): gnomAD exomes 0.00001 and 0.00003; ExAC 0.00003; gnomAD 0.00003 and 0.00004; TOPMed 0.00003; 1000 Genomes Project 30x 0.00031; 1000 Genomes Project 0.00020.
gnomAD v4.1: 45 of 1,613,490 alleles (0.0028%); highest among the groups gnomAD compares: African/African-American, 0.004%; no homozygotes.

Submissions (2):

Labcorp Genetics (formerly Invitae), Labcorp
Classification: Likely benign for Glycogen storage disease, type V. Last evaluated: 2026-01-11. Review status: criteria provided, single submitter. Criteria: Invitae Variant Classification Sherloc (09022015). Collection method: clinical testing. Allele origin: germline.

GeneDx
Classification: Likely benign. Last evaluated: 2018-02-22. Review status: criteria provided, single submitter. Criteria: GeneDx Variant Classification (06012015). Collection method: clinical testing. Allele origin: germline. Affected: yes.
Comment: This variant is considered likely benign or benign based on one or more of the following criteria: it is a conservative change, it occurs at a poorly conserved position in the protein, it is predicted to be benign by multiple in silico algorithms, and/or has population frequency not consistent with disease.

NM_005609.4(PYGM):c.424+16C>T

Gene: PYGM (glycogen phosphorylase, muscle associated; minus strand). Cytogenetic location: 11q13.1.
Variant type: single nucleotide variant.
Coding change: c.424+16C>T on transcript NM_005609.4 (MANE Select); 16 bases into the intron after coding-DNA position 424, C replaced by T.
Molecular consequence: intron variant.
Genome position (GRCh38, 1-based): chr11:64,758,421, G>A on the plus strand (C>T on the coding strand, the complement: PYGM is on the minus strand). VCF-style: chr11-64758421-G-A. GRCh37 (hg19) VCF-style: chr11-64525893-G-A.
Other names: c.244-155C>T (NM_001164716.1).
Identifiers: ClinVar variation 515612 (VCV000515612.4), dbSNP rs201194596, ClinGen allele CA6080259.